The following is an entry in ClinVar:

ClinVar aggregate classification (germline): Likely benign. Review status: criteria provided, multiple submitters, no conflicts (2 of 4 stars). 4 submissions from 4 submitters: Likely benign (3). 1 of the submissions does not count toward it. Last evaluated 2024-11-13.

Conditions:
Inborn genetic diseases. Identifiers: MedGen C0950123, MeSH D030342.

Allele frequency attached by ClinVar (database versions not stated): 1000 Genomes Project 30x 0.00062; TOPMed 0.00063; ESP Exome Variant Server 0.00077; gnomAD exomes 0.00019; ExAC 0.00021; 1000 Genomes Project 0.00060.
gnomAD v4.1: 207 of 1,613,364 alleles (0.013%); highest among the groups gnomAD compares: African/African-American, 0.23%; no homozygotes.

Submissions (4):

Blueprint Genetics
Classification: Likely benign. Last evaluated: 2024-11-13. Review status: criteria provided, single submitter. Criteria: ACMG Guidelines, 2015. Collection method: clinical testing. Allele origin: germline.

Ambry Genetics
Classification: Likely benign for Inborn genetic diseases. Last evaluated: 2023-09-15. Review status: criteria provided, single submitter. Criteria: Ambry Variant Classification Scheme 2023. Collection method: clinical testing. Allele origin: germline.

CeGaT Center for Human Genetics Tuebingen
Classification: Likely benign. Last evaluated: 2022-03-01. Review status: criteria provided, single submitter. Criteria: CeGaT Center For Human Genetics Tuebingen Variant Classification Criteria Version 2. Collection method: clinical testing. Allele origin: germline. Affected: yes. Observed: 1 variant allele.
Comment: DPYD: BP4, BP7

Diasio Lab,  Mayo Clinic
No classification provided. Review status: no classification provided. Collection method: not provided. Allele origin: unknown. Not counted in ClinVar's aggregate classification.

NM_000110.4(DPYD):c.525G>A (p.Ser175=)

Gene: DPYD (dihydropyrimidine dehydrogenase; minus strand). Cytogenetic location: 1p21.3.
Variant type: single nucleotide variant.
Coding change: c.525G>A on transcript NM_000110.4 (MANE Select); coding-DNA position 525, G replaced by A.
Protein change: p.Ser175=; no amino-acid change (serine 175 retained).
Molecular consequence: synonymous variant.
Genome position (GRCh38, 1-based): chr1:97,699,506, C>T on the plus strand (G>A on the coding strand, the complement: DPYD is on the minus strand). VCF-style: chr1-97699506-C-T. GRCh37 (hg19) VCF-style: chr1-98165062-C-T.
Other names: c.525G>A (NM_000110.3).
Identifiers: ClinVar variation 100115 (VCV000100115.27), dbSNP rs6670886, ClinGen allele CA228165.